The following is an entry in ClinVar:

ClinVar aggregate classification (germline): Pathogenic (1 of 4 stars; one submission).

Submission:

Labcorp Genetics (formerly Invitae), Labcorp
Classification: Pathogenic. Last evaluated: 2020-09-01. Review status: criteria provided, single submitter. Criteria: Invitae Variant Classification Sherloc (09022015). Collection method: clinical testing. Allele origin: germline.
Comment: This sequence change creates a premature translational stop signal (p.Asn551Thrfs*5) in the CNKSR2 gene. It is expected to result in an absent or disrupted protein product. This variant is not present in population databases (ExAC no frequency). This variant has not been reported in the literature in individuals with CNKSR2-related conditions. Loss-of-function variants in CNKSR2 are known to be pathogenic (PMID: 22511892, 25223753). For these reasons, this variant has been classified as Pathogenic.

Literature cited by the submitters: PubMed 22511892; PubMed 25223753.

NM_014927.5(CNKSR2):c.1652del (p.Asn551fs)

Gene: CNKSR2 (connector enhancer of kinase suppressor of Ras 2; plus strand). Cytogenetic location: Xp22.12.
Variant type: Deletion.
Coding change: c.1652del on transcript NM_014927.5 (MANE Select); coding-DNA position 1652, one base deleted (A; older notation c.1652delA).
Protein change: p.Asn551fs; shifts the reading frame from asparagine 551.
Molecular consequence: frameshift variant.
Genome position (GRCh38, 1-based): chrX:21,590,615, A deleted; the last of 5 consecutive A bases (chrX:21,590,611-21,590,615); deleting any one gives the same sequence. VCF-style (leftmost placement, unchanged base first): chrX-21590610-GA-G. GRCh37 (hg19) VCF-style: chrX-21608728-GA-G.
Other names: c.1562del, p.Asn521fs (NM_001168647.3, NM_001330773.2); c.1652del, p.Asn551fs (NM_001168648.3); c.1505del, p.Asn502fs (NM_001168649.3, NM_001330770.2); c.1415del, p.Asn472fs (NM_001330771.2, NM_001330772.2); short protein forms N472fs, N502fs, N521fs, N551fs.
Identifiers: ClinVar variation 1069804 (VCV001069804.2), dbSNP rs2147249014, ClinGen allele CA2499226560.